The following is an entry in ClinVar:

NM_000492.4(CFTR):c.580-2A>G

Gene: CFTR (CF transmembrane conductance regulator; plus strand). Cytogenetic location: 7q31.2.
Variant type: single nucleotide variant.
Coding change: c.580-2A>G on transcript NM_000492.4 (MANE Select); the canonical splice acceptor site of the intron before coding-DNA position 580, A replaced by G.
Molecular consequence: splice acceptor variant.
Genome position (GRCh38, 1-based): chr7:117,535,246, A>G. VCF-style: chr7-117535246-A-G. GRCh37 (hg19) VCF-style: chr7-117175300-A-G.
Identifiers: ClinVar variation 837464 (VCV000837464.17), dbSNP rs193922730, ClinGen allele CA4450777.
Genomic context (GRCh38, chr7:117,535,246, plus strand): 5'-TGTTAGTTTCTAGGGGTGGAAGATACAATGACACCTGTTTTTGCTGTGCTTTTATTTTCC[A>G]GGGACTTGCATTGGCACATTTCGTGTGGATCGCTCCTTTGCAAGTGGCACTCCTCATGGG-3'

ClinVar aggregate classification (germline): Pathogenic. Review status: reviewed by expert panel (3 of 4 stars). 7 submissions from 7 submitters: Pathogenic (1). 6 of the submissions do not count toward it. Last evaluated 2021-09-24.

Conditions:
Bronchiectasis with or without elevated sweat chloride 1 (BESC1). Also called: Cystic Fibrosis-Like Syndrome. Identifiers: Orphanet 60033, MedGen C2749757, MONDO:0008887, OMIM 211400.
CFTR-related disorder (CFTR-RD). Also called: CFTR-related condition; CFTR-related disorders. Identifiers: MedGen C5924204, MONDO:7770004.
Cystic fibrosis (CF). Also called: MUCOVISCIDOSIS. Identifiers: Orphanet 586, MedGen C0010674, MONDO:0009061, OMIM 219700. Disease mechanism: loss of function.

Allele frequency attached by ClinVar (database versions not stated): gnomAD exomes below 0.00001 and 0.00001; TOPMed below 0.00001; ExAC 0.00002.
gnomAD v4.1: 3 of 1,614,082 alleles (0.00019%); highest among the groups gnomAD compares: Admixed American, 0.0017%; no homozygotes.

Submissions (7):

CFTR2
Classification: Pathogenic for Cystic fibrosis. Last evaluated: 2021-09-24. Review status: reviewed by expert panel. Criteria: Submitter's publication and website. Collection method: research. Allele origin: germline. Affected: yes.

Natera, Inc.
Classification: Pathogenic for CFTR-related disorders. Last evaluated: 2025-09-14. Review status: criteria provided, single submitter. Criteria: Natera Variant Classification Schema (03/2026). Collection method: clinical testing. Allele origin: germline. Not counted in ClinVar's aggregate classification.
Comment: The c.580-2A>G variant in CFTR is a canonical splice acceptor site variant predicted to affect pre-mRNA splicing, which may result in an abnormal transcript and altered protein product. This variant is expected to result in nonsense mediated decay, truncation, or a dysfunctional protein product. This variant is rare in the general population with a frequency below the threshold expected for the associated phenotype(s). Another variant at this same site results in an alteration predicted to cause a similar molecular effect has been observed in individual(s) with the associated phenotype. Given the available evidence, this variant is classified as Pathogenic.

Women's Health and Genetics/Laboratory Corporation of America, LabCorp
Classification: Pathogenic for Cystic fibrosis. Last evaluated: 2025-07-25. Review status: criteria provided, single submitter. Criteria: LabCorp Variant Classification Summary - May 2015. Collection method: clinical testing. Allele origin: germline. Not counted in ClinVar's aggregate classification.
Comment: Variant summary: CFTR c.580-2A>G is located in a canonical splice-site and is predicted to affect mRNA splicing resulting in a significantly altered protein due to either exon skipping, shortening, or inclusion of intronic material. Variants that disrupt the consensus splice site are a relatively common cause of aberrant splicing and loss of CFTR function. Several computational tools predict a significant impact on normal splicing: Four predict the variant abolishes a 3' acceptor site. However, these predictions have yet to be confirmed by functional studies. The variant allele was found at a frequency of 1.2e-05 in 251424 control chromosomes. c.580-2A>G has been observed in individual(s) affected with Cystic Fibrosis, including at least one case where it was reported in the compound heterozygous state together with F508del (e.g. DeWacher_2017, McCague_2019, Duursma_2022, Martinez-Hernandez_2024). These data indicate that the variant is likely associated with disease. To our knowledge, no experimental evidence demonstrating an impact on protein function has been reported. However, at least one other variant affecting the same acceptor splice site has been classified as pathogenic by our laboratory (c.580-1G>T), suggesting that disruption of this site is detrimental to CFTR function. The following publications have been ascertained in the context of this evaluation (PMID: 28830496, 35697137, 38601560, 30888834). ClinVar contains an entry for this variant (Variation ID: 837464). Based on the evidence outlined above, the variant was classified as pathogenic.

Baylor Genetics
Classification: Pathogenic for Bronchiectasis with or without elevated sweat chloride 1. Last evaluated: 2024-01-17. Review status: criteria provided, single submitter. Criteria: ACMG Guidelines, 2015. Collection method: clinical testing. Allele origin: unknown. Not counted in ClinVar's aggregate classification.

Institute of Human Genetics, University of Leipzig Medical Center
Classification: Pathogenic for Cystic fibrosis. Last evaluated: 2022-09-05. Review status: criteria provided, single submitter. Criteria: ACMG Guidelines, 2015. Collection method: curation. Allele origin: unknown. Affected: yes. Observed: 1 variant allele. Not counted in ClinVar's aggregate classification.
Comment: The variant was classified in the context of a project re-classifying variants in the German Cystic Fibrosis Registry (Muko.e.V.). Criteria applied: PVS1, PM2_SUP, PP4

Labcorp Genetics (formerly Invitae), Labcorp
Classification: Pathogenic for Cystic fibrosis. Last evaluated: 2019-12-06. Review status: criteria provided, single submitter. Criteria: Invitae Variant Classification Sherloc (09022015). Collection method: clinical testing. Allele origin: germline. Not counted in ClinVar's aggregate classification.
Comment: For these reasons, this variant has been classified as Pathogenic. Donor and acceptor splice site variants typically lead to a loss of protein function (PMID: 16199547), and loss-of-function variants in CFTR are known to be pathogenic (PMID: 1695717, 7691345, 9725922). Algorithms developed to predict the effect of sequence changes on RNA splicing suggest that this variant may disrupt the consensus splice site, but this prediction has not been confirmed by published transcriptional studies. Disruption of this splice site has been observed in individual(s) with cystic fibrosis (PMID: 24129438). This variant is present in population databases (rs193922730, ExAC 0.009%). This sequence change affects an acceptor splice site in intron 5 of the CFTR gene. It is expected to disrupt RNA splicing and likely results in an absent or disrupted protein product.

Neuberg Centre For Genomic Medicine, NCGM
Classification: Pathogenic for Cystic fibrosis. Review status: criteria provided, single submitter. Criteria: ACMG Guidelines, 2015. Collection method: clinical testing. Allele origin: germline. Inheritance: Autosomal recessive inheritance. Affected: yes. Not counted in ClinVar's aggregate classification.
Comment: The c.580-2A>G splice acceptor variant in CFTR gene has been observed in individual(s) with cystic fibrosis (Masvidal et al., 2014). This variant is reported with the allele frequency (0.001%) in the gnomad and novel in 1000 genome database. This variant has been reported in the ClinVar database as Pathogenic. Donor and acceptor splice site variants typically lead to a loss of protein function (Baralle & Baralle., 2005), and loss-of-function variants in CFTR are known to be pathogenic. For these reasons, this variant has been classified as Pathogenic.

Literature cited by the submitters: PubMed 28830496 (cited by Women's Health and Genetics/Laboratory Corporation of America, LabCorp); PubMed 30888834 (cited by Women's Health and Genetics/Laboratory Corporation of America, LabCorp); PubMed 35697137 (cited by Women's Health and Genetics/Laboratory Corporation of America, LabCorp); PubMed 38601560 (cited by Women's Health and Genetics/Laboratory Corporation of America, LabCorp); PubMed 16199547 (cited by Labcorp Genetics (formerly Invitae), Labcorp); PubMed 1695717 (cited by Labcorp Genetics (formerly Invitae), Labcorp); PubMed 7691345 (cited by Labcorp Genetics (formerly Invitae), Labcorp); PubMed 9725922 (cited by Labcorp Genetics (formerly Invitae), Labcorp); PubMed 24129438 (cited by Labcorp Genetics (formerly Invitae), Labcorp).